The following is an entry in ClinVar:

ClinVar aggregate classification (germline): Uncertain significance. Review status: criteria provided, multiple submitters, no conflicts (2 of 4 stars). 2 submissions from 2 submitters: Uncertain significance (2). Last evaluated 2025-12-04.

Allele frequency attached by ClinVar (database versions not stated): ExAC 0.00001; gnomAD 0.00001; TOPMed 0.00002.
gnomAD v4.1: 39 of 1,613,546 alleles (0.0024%); highest among the groups gnomAD compares: Middle Eastern, 0.15%; 1 homozygote.

Submissions (2):

Ambry Genetics
Classification: Uncertain significance. Last evaluated: 2025-12-04. Review status: criteria provided, single submitter. Criteria: Ambry Variant Classification Scheme 2023. Collection method: clinical testing. Allele origin: germline.

CeGaT Center for Human Genetics Tuebingen
Classification: Uncertain significance. Last evaluated: 2023-07-01. Review status: criteria provided, single submitter. Criteria: CeGaT Center For Human Genetics Tuebingen Variant Classification Criteria Version 2. Collection method: clinical testing. Allele origin: germline. Affected: yes. Observed: 1 variant allele.
Comment: ADGRD1: PM2

NM_198827.5(ADGRD1):c.493C>G (p.Pro165Ala)

Gene: ADGRD1 (adhesion G protein-coupled receptor D1; plus strand). Cytogenetic location: 12q24.33.
Variant type: single nucleotide variant.
Coding change: c.493C>G on transcript NM_198827.5 (MANE Select); coding-DNA position 493, C replaced by G.
Protein change: p.Pro165Ala; replaces proline 165 with alanine.
Molecular consequence: missense variant.
Genome position (GRCh38, 1-based): chr12:130,987,097, C>G. VCF-style: chr12-130987097-C-G. GRCh37 (hg19) VCF-style: chr12-131471642-C-G.
Other names: c.589C>G, p.Pro197Ala (NM_001330497.2); short protein forms P197A, P165A.
Identifiers: ClinVar variation 2365752 (VCV002365752.26), dbSNP rs755255484, ClinGen allele CA6879558.
Genomic context (GRCh38, chr12:130,987,097, plus strand): 5'-TGTGCATGGGGAGCTCATTCCCACAGTACTCAGAATGGCGATCTTCACTCTTTTCCAGGC[C>G]CCTATTGGACTCATGTCCTATTTACATGGAAATCCAAGGAGGGCCTGAAAGTCTACGTCA-3'
Protein context (NP_942122.2, residues 155-175): TWEASFSPPG[Pro165Ala]YWTHVLFTWK